The following is an entry in ClinVar:

NM_000218.3(KCNQ1):c.1514+5115_1514+5116insT

Genes: KCNQ1 (potassium voltage-gated channel subfamily Q member 1; plus strand), KCNQ1OT1 (KCNQ1 opposite strand/antisense transcript 1; minus strand). Cytogenetic location: 11p15.5.
Variant type: Insertion.
Coding change: c.1514+5115_1514+5116insT on transcript NM_000218.3 (MANE Select); bases 5115 to 5116 of the intron after coding-DNA position 1514, T inserted.
Molecular consequence: intron variant.
Genome position: GRCh38 VCF-style: chr11-2667196-G-GT. GRCh37 (hg19) VCF-style: chr11-2688426-G-GT.
Other names: c.1244+5115_1244+5116insT (NM_001406837.1); c.1418+5115_1418+5116insT (NM_001406836.1); c.974+5115_974+5116insT (NM_001406838.1); c.1133+5115_1133+5116insT (NM_181798.2).
Identifiers: ClinVar variation 2498491 (VCV002498491.28), dbSNP rs771307280, ClinGen allele CA216175539.

ClinVar aggregate classification (germline): Benign (1 of 4 stars; one submission).

Allele frequency attached by ClinVar (database versions not stated): TOPMed 0.00066; gnomAD 0.00074; gnomAD exomes 0.00080.

Submission:

CeGaT Center for Human Genetics Tuebingen
Classification: Benign. Last evaluated: 2025-06-01. Review status: criteria provided, single submitter. Criteria: CeGaT Center For Human Genetics Tuebingen Variant Classification Criteria Version 2. Collection method: clinical testing. Allele origin: germline. Affected: yes. Observed: 7 variant alleles.
Comment: KCNQ1OT1: BS1, BS2